The following is an entry in ClinVar:

ClinVar aggregate classification (germline): Uncertain significance (1 of 4 stars; one submission).

Submission:

GeneDx
Classification: Uncertain significance. Last evaluated: 2026-02-10. Review status: criteria provided, single submitter. Criteria: GeneDx Variant Classification Process June 2021. Collection method: clinical testing. Allele origin: germline.
Comment: Not observed at significant frequency in large population cohorts (gnomAD); In silico analysis suggests that this missense variant does not alter protein structure/function; Has not been previously published as pathogenic or benign to our knowledge

NM_006885.4(ZFHX3):c.5216A>C (p.Gln1739Pro)

Genes: ZFHX3 (zinc finger homeobox 3; minus strand), ZFHX3-AS1 (ZFHX3 antisense RNA 1; plus strand). Cytogenetic location: 16q22.2.
Variant type: single nucleotide variant.
Coding change: c.5216A>C on transcript NM_006885.4 (MANE Select); coding-DNA position 5216, A replaced by C.
Protein change: p.Gln1739Pro; replaces glutamine 1739 with proline.
Molecular consequence: missense variant.
Genome position (GRCh38, 1-based): chr16:72,797,466, T>G on the plus strand (A>C on the coding strand, the complement: ZFHX3 is on the minus strand). VCF-style: chr16-72797466-T-G. GRCh37 (hg19) VCF-style: chr16-72831365-T-G.
Other names: c.2474A>C, p.Gln825Pro (NM_001164766.2); c.5216A>C, p.Gln1739Pro (NM_001386735.1); short protein forms Q1739P, Q825P.
Identifiers: ClinVar variation 4976582 (VCV004976582.1).
Genomic context (GRCh38, chr16:72,797,466, plus strand): 5'-TCCTGCTGCAGGTGAGCTTGAACTTGAGCCTGGGCCTGGGCCAGCGTTTGTGCTTGTTGT[T>G]GTTGTTGTTGTTGTTGTTGTTGCTGTTGCTGCTGCTGTTGTTGCTGCTGCCTGGATGCAA-3'
Protein context (NP_008816.3, residues 1729-1749): QQQQQQQQQQ[Gln1739Pro]QQAQTLAQAQ